The following is an entry in ClinVar:

ClinVar aggregate classification (germline): Likely benign (0 of 4 stars; one submission).

Conditions:
PREX2-related disorder. Also called: PREX2-related condition.

Allele frequency attached by ClinVar (database versions not stated): 1000 Genomes Project 30x 0.00094; 1000 Genomes Project 0.00120; ExAC 0.00164; TOPMed 0.00169; ESP Exome Variant Server 0.00177; gnomAD 0.00179; gnomAD exomes 0.00249.
gnomAD v4.1: 3,877 of 1,610,452 alleles (0.24%); highest among the groups gnomAD compares: Non-Finnish European, 0.29%; 6 homozygotes.

Submission:

PreventionGenetics, part of Exact Sciences
Classification: Likely benign for PREX2-related condition. Last evaluated: 2023-07-22. Review status: no assertion criteria provided. Collection method: clinical testing. Allele origin: germline.
Comment: This variant is classified as likely benign based on ACMG/AMP sequence variant interpretation guidelines (Richards et al. 2015 PMID: 25741868, with internal and published modifications).

NM_024870.4(PREX2):c.934G>A (p.Asp312Asn)

Gene: PREX2 (phosphatidylinositol-3,4,5-trisphosphate dependent Rac exchange factor 2; plus strand). Cytogenetic location: 8q13.2.
Variant type: single nucleotide variant.
Coding change: c.934G>A on transcript NM_024870.4 (MANE Select); coding-DNA position 934, G replaced by A.
Protein change: p.Asp312Asn; replaces aspartic acid 312 with asparagine.
Molecular consequence: missense variant.
Genome position (GRCh38, 1-based): chr8:68,044,581, G>A. VCF-style: chr8-68044581-G-A. GRCh37 (hg19) VCF-style: chr8-68956816-G-A.
Other names: c.934G>A, p.Asp312Asn (NM_025170.6); short protein forms D312N.
Identifiers: ClinVar variation 3038270 (VCV003038270.2), dbSNP rs11784582, ClinGen allele CA4773456.